The following is an entry in ClinVar:

NM_024911.7(WLS):c.1476T>C (p.Tyr492=)

Genes: GNG12-AS1 (GNG12, DIRAS3 and WLS antisense RNA 1; plus strand), WLS (Wnt ligand secretion mediator; minus strand). Cytogenetic location: 1p31.3.
Variant type: single nucleotide variant.
Coding change: c.1476T>C on transcript NM_024911.7 (MANE Select); coding-DNA position 1476, T replaced by C.
Protein change: p.Tyr492=; no amino-acid change (tyrosine 492 retained).
Molecular consequence: synonymous variant.
Genome position (GRCh38, 1-based): chr1:68,137,820, A>G on the plus strand (T>C on the coding strand, the complement: WLS is on the minus strand). VCF-style: chr1-68137820-A-G. GRCh37 (hg19) VCF-style: chr1-68603503-A-G.
Other names: c.1470T>C, p.Tyr490= (NM_001002292.4); c.1203T>C, p.Tyr401= (NM_001193334.1).
Identifiers: ClinVar variation 4682016 (VCV004682016.5).

ClinVar aggregate classification (germline): Likely benign (1 of 4 stars; one submission).

Submission:

CeGaT Center for Human Genetics Tuebingen
Classification: Likely benign. Last evaluated: 2025-12-01. Review status: criteria provided, single submitter. Criteria: CeGaT Center For Human Genetics Tuebingen Variant Classification Criteria Version 2. Collection method: clinical testing. Allele origin: germline. Affected: yes. Observed: 1 variant allele.
Comment: WLS: PM2:Supporting, BP4, BP7